The following is an entry in ClinVar:

ClinVar aggregate classification (germline): Benign/Likely benign. Review status: criteria provided, multiple submitters, no conflicts (2 of 4 stars). 3 submissions from 3 submitters: Benign (1); Likely benign (2). Last evaluated 2026-02-13.

Conditions:
Ataxia-telangiectasia syndrome (AT). Also called: Ataxia-telangiectasia, complementation group D; AT, COMPLEMENTATION GROUP C; Ataxia-telangiectasia; Ataxia telangiectasia (A-T); ATAXIA-TELANGIECTASIA, COMPLEMENTATION GROUP A; ATAXIA-TELANGIECTASIA, FRESNO VARIANT. Identifiers: Orphanet 100, MedGen C0004135, MONDO:0008840, OMIM 208900.
Hereditary cancer-predisposing syndrome. Also called: Tumor predisposition; Neoplastic Syndromes, Hereditary; Hereditary Cancer Syndrome; Hereditary neoplastic syndrome. Identifiers: Orphanet 140162, MedGen C0027672, MeSH D009386, MONDO:0015356.
Familial cancer of breast. Also called: hereditary breast carcinoma; Hereditary breast cancer; BREAST CANCER, FAMILIAL. Identifiers: Orphanet 227535, MedGen C0346153, MONDO:0016419, OMIM 114480. Disease mechanism: loss of function.

Submissions (3):

Ambry Genetics
Classification: Likely benign for Hereditary cancer-predisposing syndrome. Last evaluated: 2026-02-13. Review status: criteria provided, single submitter. Criteria: Ambry Variant Classification Scheme 2023. Collection method: clinical testing. Allele origin: germline.

Myriad Genetics, Inc.
Classification: Benign for Familial cancer of breast. Last evaluated: 2024-05-10. Review status: criteria provided, single submitter. Criteria: Myriad Autosomal Dominant, Autosomal Recessive and X-Linked Classification Criteria (2023). Collection method: clinical testing. Allele origin: unknown.
Comment: This variant is considered benign. This variant is a silent/synonymous amino acid change and it is not expected to impact splicing.

Labcorp Genetics (formerly Invitae), Labcorp
Classification: Likely benign for Ataxia-telangiectasia syndrome. Last evaluated: 2021-07-06. Review status: criteria provided, single submitter. Criteria: Invitae Variant Classification Sherloc (09022015). Collection method: clinical testing. Allele origin: germline.

NM_000051.4(ATM):c.2880C>T (p.Pro960=)

Gene: ATM (ATM serine/threonine kinase; plus strand). Cytogenetic location: 11q22.3.
Variant type: single nucleotide variant.
Coding change: c.2880C>T on transcript NM_000051.4 (MANE Select); coding-DNA position 2880, C replaced by T.
Protein change: p.Pro960=; no amino-acid change (proline 960 retained).
Molecular consequence: synonymous variant.
Genome position (GRCh38, 1-based): chr11:108,271,105, C>T. VCF-style: chr11-108271105-C-T. GRCh37 (hg19) VCF-style: chr11-108141832-C-T.
Other names: c.2880C>T, p.Pro960= (NM_001351834.2).
Identifiers: ClinVar variation 755022 (VCV000755022.10), dbSNP rs1591602430, ClinGen allele CA476674169.